The following is an entry in ClinVar:

NM_006947.4(SRP72):c.1742G>A (p.Arg581Gln)

Gene: SRP72 (signal recognition particle 72; plus strand). Cytogenetic location: 4q12.
Variant type: single nucleotide variant.
Coding change: c.1742G>A on transcript NM_006947.4 (MANE Select); coding-DNA position 1742, G replaced by A.
Protein change: p.Arg581Gln; replaces arginine 581 with glutamine.
Molecular consequence: missense variant. On other transcripts: non-coding transcript variant (1).
Genome position (GRCh38, 1-based): chr4:56,500,599, G>A. VCF-style: chr4-56500599-G-A. GRCh37 (hg19) VCF-style: chr4-57366765-G-A.
Other names: c.1742G>A (NM_006947.3); c.1559G>A, p.Arg520Gln (NM_001267722.2); short protein forms R520Q, R581Q.
Identifiers: ClinVar variation 1503361 (VCV001503361.7), dbSNP rs763555511, ClinGen allele CA2931471.

ClinVar aggregate classification (germline): Uncertain significance. Review status: criteria provided, multiple submitters, no conflicts (2 of 4 stars). 2 submissions from 2 submitters: Uncertain significance (2). Last evaluated 2025-12-28.

Allele frequency attached by ClinVar (database versions not stated): TOPMed 0.00001; ExAC 0.00002; gnomAD 0.00001.
gnomAD v4.1: 28 of 1,613,806 alleles (0.0017%); highest among the groups gnomAD compares: Admixed American, 0.005%; no homozygotes.

Submissions (2):

Labcorp Genetics (formerly Invitae), Labcorp
Classification: Uncertain significance. Last evaluated: 2025-12-28. Review status: criteria provided, single submitter. Criteria: Invitae Variant Classification Sherloc (09022015). Collection method: clinical testing. Allele origin: germline.
Comment: This sequence change replaces arginine, which is basic and polar, with glutamine, which is neutral and polar, at codon 581 of the SRP72 protein (p.Arg581Gln). This variant is present in population databases (rs763555511, gnomAD 0.01%). This variant has not been reported in the literature in individuals affected with SRP72-related conditions. ClinVar contains an entry for this variant (Variation ID: 1503361). Invitae Evidence Modeling of protein sequence and biophysical properties (such as structural, functional, and spatial information, amino acid conservation, physicochemical variation, residue mobility, and thermodynamic stability) indicates that this missense variant is not expected to disrupt SRP72 protein function with a negative predictive value of 80%. In summary, the available evidence is currently insufficient to determine the role of this variant in disease. Therefore, it has been classified as a Variant of Uncertain Significance.

Ambry Genetics
Classification: Uncertain significance. Last evaluated: 2024-12-26. Review status: criteria provided, single submitter. Criteria: Ambry Variant Classification Scheme 2023. Collection method: clinical testing. Allele origin: germline.
Comment: The p.R581Q variant (also known as c.1742G>A), located in coding exon 18 of the SRP72 gene, results from a G to A substitution at nucleotide position 1742. The arginine at codon 581 is replaced by glutamine, an amino acid with highly similar properties. This amino acid position is conserved. In addition, the in silico prediction for this alteration is inconclusive. Based on the available evidence, the clinical significance of this variant remains unclear.